The following is an entry in ClinVar:

NM_144988.4(ALG14):c.549G>C (p.Met183Ile)

Gene: ALG14 (ALG14 UDP-N-acetylglucosaminyltransferase subunit; minus strand). Cytogenetic location: 1p21.3.
Variant type: single nucleotide variant.
Coding change: c.549G>C on transcript NM_144988.4 (MANE Select); coding-DNA position 549, G replaced by C.
Protein change: p.Met183Ile; replaces methionine 183 with isoleucine.
Molecular consequence: missense variant. On other transcripts: 3 prime UTR variant (1), non-coding transcript variant (1).
Genome position (GRCh38, 1-based): chr1:94,983,178, C>G on the plus strand (G>C on the coding strand, the complement: ALG14 is on the minus strand). VCF-style: chr1-94983178-C-G. GRCh37 (hg19) VCF-style: chr1-95448734-C-G.
Other names: c.*118G>C (NM_001305242.2); short protein forms M183I.
Identifiers: ClinVar variation 2144995 (VCV002144995.3), dbSNP rs764533791, ClinGen allele CA961754.

ClinVar aggregate classification (germline): Uncertain significance (1 of 4 stars; one submission).

Conditions:
Congenital myasthenic syndrome 15. Also called: Myasthenic syndrome, congenital, 15, without tubular aggregates. Identifiers: Orphanet 353327, Orphanet 590, MedGen C4015596, MONDO:0014542, OMIM 616227.

Allele frequency attached by ClinVar (database versions not stated): gnomAD exomes below 0.00001; gnomAD 0.00001; ExAC 0.00002.

Submission:

Labcorp Genetics (formerly Invitae), Labcorp
Classification: Uncertain significance for Congenital myasthenic syndrome 15. Last evaluated: 2021-12-18. Review status: criteria provided, single submitter. Criteria: Invitae Variant Classification Sherloc (09022015). Collection method: clinical testing. Allele origin: germline.
Comment: In summary, the available evidence is currently insufficient to determine the role of this variant in disease. Therefore, it has been classified as a Variant of Uncertain Significance. Algorithms developed to predict the effect of missense changes on protein structure and function are either unavailable or do not agree on the potential impact of this missense change (SIFT: "Deleterious"; PolyPhen-2: "Benign"; Align-GVGD: "Class C0"). This variant has not been reported in the literature in individuals affected with ALG14-related conditions. This variant is present in population databases (rs764533791, gnomAD 0.01%). This sequence change replaces methionine, which is neutral and non-polar, with isoleucine, which is neutral and non-polar, at codon 183 of the ALG14 protein (p.Met183Ile).